The following is an entry in ClinVar:

NM_170707.4(LMNA):c.335A>G (p.Glu112Gly)

Gene: LMNA (lamin A/C; plus strand). Cytogenetic location: 1q22.
Variant type: single nucleotide variant.
Coding change: c.335A>G on transcript NM_170707.4 (MANE Select); coding-DNA position 335, A replaced by G.
Protein change: p.Glu112Gly; replaces glutamic acid 112 with glycine.
Molecular consequence: missense variant.
Genome position (GRCh38, 1-based): chr1:156,115,253, A>G. VCF-style: chr1-156115253-A-G. GRCh37 (hg19) VCF-style: chr1-156085044-A-G.
Other names: c.335A>G, p.Glu112Gly (NM_001282625.2, NM_001282626.2, NM_005572.4 and 1 more transcripts); c.335A>G (NM_170707.2); short protein forms E112G.
Identifiers: ClinVar variation 840564 (VCV000840564.10), dbSNP rs794728587, ClinGen allele CA342808865.

ClinVar aggregate classification (germline): Uncertain significance. Review status: criteria provided, multiple submitters, no conflicts (2 of 4 stars). 2 submissions from 2 submitters: Uncertain significance (2). Last evaluated 2025-12-30.

Conditions:
Charcot-Marie-Tooth disease type 2. Also called: Charcot-Marie-Tooth type 2. Identifiers: Orphanet 64746, MedGen C0270914, MONDO:0018993.
Cardiovascular phenotype. Identifiers: MedGen CN230736.

Allele frequency attached by ClinVar (database versions not stated): gnomAD exomes below 0.00001.

Submissions (2):

Ambry Genetics
Classification: Uncertain significance for Cardiovascular phenotype. Last evaluated: 2025-12-30. Review status: criteria provided, single submitter. Criteria: Ambry Variant Classification Scheme 2023. Collection method: clinical testing. Allele origin: germline.
Comment: The p.E112G variant (also known as c.335A>G), located in coding exon 1 of the LMNA gene, results from an A to G substitution at nucleotide position 335. The glutamic acid at codon 112 is replaced by glycine, an amino acid with similar properties. This amino acid position is conserved. In addition, the in silico prediction for this alteration is inconclusive. Based on the available evidence, the clinical significance of this variant remains unclear.

Labcorp Genetics (formerly Invitae), Labcorp
Classification: Uncertain significance for Charcot-Marie-Tooth disease type 2. Last evaluated: 2023-02-25. Review status: criteria provided, single submitter. Criteria: Invitae Variant Classification Sherloc (09022015). Collection method: clinical testing. Allele origin: germline.
Comment: This sequence change replaces glutamic acid, which is acidic and polar, with glycine, which is neutral and non-polar, at codon 112 of the LMNA protein (p.Glu112Gly). This variant is not present in population databases (gnomAD no frequency). This variant has not been reported in the literature in individuals affected with LMNA-related conditions. ClinVar contains an entry for this variant (Variation ID: 840564). Advanced modeling of protein sequence and biophysical properties (such as structural, functional, and spatial information, amino acid conservation, physicochemical variation, residue mobility, and thermodynamic stability) performed at Invitae indicates that this missense variant is expected to disrupt LMNA protein function. Algorithms developed to predict the effect of sequence changes on RNA splicing suggest that this variant may create or strengthen a splice site. In summary, the available evidence is currently insufficient to determine the role of this variant in disease. Therefore, it has been classified as a Variant of Uncertain Significance.